The following is an entry in ClinVar:

NM_213618.2(DENND2B):c.2648T>C (p.Val883Ala)

Gene: DENND2B (DENN domain containing 2B; minus strand). Cytogenetic location: 11p15.4.
Variant type: single nucleotide variant.
Coding change: c.2648T>C on transcript NM_213618.2 (MANE Select); coding-DNA position 2648, T replaced by C.
Protein change: p.Val883Ala; replaces valine 883 with alanine.
Molecular consequence: missense variant. On other transcripts: non-coding transcript variant (7).
Genome position (GRCh38, 1-based): chr11:8,702,644, A>G on the plus strand (T>C on the coding strand, the complement: DENND2B is on the minus strand). VCF-style: chr11-8702644-A-G. GRCh37 (hg19) VCF-style: chr11-8724191-A-G.
Other names: c.2648T>C, p.Val883Ala (NM_001376495.1, NM_001376496.1, NM_001376497.1 and 1 more transcripts); c.2141T>C, p.Val714Ala (NM_001376498.1); c.2108T>C, p.Val703Ala (NM_001376499.1); c.1967T>C, p.Val656Ala (NM_001376500.1); c.1388T>C, p.Val463Ala (NM_001376501.1, NM_001376502.1, NM_139157.3); c.1208T>C, p.Val403Ala (NM_001376503.1); c.1172T>C, p.Val391Ala (NM_001376504.1); c.1064T>C, p.Val355Ala (NM_001376505.1, NM_001376506.1); short protein forms V355A, V391A, V403A, V463A, V656A, V703A, V714A, V883A.
Identifiers: ClinVar variation 2641582 (VCV002641582.24), dbSNP rs113126215, ClinGen allele CA5873778.

ClinVar aggregate classification (germline): Likely benign (1 of 4 stars; one submission).

Allele frequency attached by ClinVar (database versions not stated): 1000 Genomes Project 0.00160; 1000 Genomes Project 30x 0.00203; TOPMed 0.00338; ESP Exome Variant Server 0.00439; gnomAD 0.00482; ExAC 0.00611; gnomAD exomes 0.00618.
gnomAD v4.1: 9,639 of 1,613,966 alleles (0.6%); highest among the groups gnomAD compares: Non-Finnish European, 0.65%; 44 homozygotes.

Submission:

CeGaT Center for Human Genetics Tuebingen
Classification: Likely benign. Last evaluated: 2023-03-01. Review status: criteria provided, single submitter. Criteria: CeGaT Center For Human Genetics Tuebingen Variant Classification Criteria Version 2. Collection method: clinical testing. Allele origin: germline. Affected: yes. Observed: 1 variant allele.
Comment: DENND2B: BS2